The following is an entry in ClinVar:

NM_203486.3(DLL3):c.618del (p.Cys207fs)

Genes: DLL3 (delta like canonical Notch ligand 3; plus strand), LOC130064417 (ATAC-STARR-seq lymphoblastoid silent region 10608; plus strand). Cytogenetic location: 19q13.2.
Variant type: Deletion.
Coding change: c.618del on transcript NM_203486.3 (MANE Select); coding-DNA position 618, one base deleted (C; older notation c.618delC).
Protein change: p.Cys207fs; shifts the reading frame from cysteine 207.
Molecular consequence: frameshift variant.
Genome position (GRCh38, 1-based): chr19:39,503,023, C deleted; the last of 4 consecutive C bases (chr19:39,503,020-39,503,023); deleting any one gives the same sequence. VCF-style (leftmost placement, unchanged base first): chr19-39503019-GC-G. GRCh37 (hg19) VCF-style: chr19-39993659-GC-G.
Other names: c.618del, p.Cys207fs (NM_016941.4); short protein forms C207fs.
Identifiers: ClinVar variation 6832 (VCV000006832.52), dbSNP rs786200902, ClinGen allele CA253974.

ClinVar aggregate classification (germline): Pathogenic. Review status: criteria provided, multiple submitters, no conflicts (2 of 4 stars). 4 submissions from 4 submitters: Pathogenic (3). 1 of the submissions does not count toward it. Last evaluated 2023-05-30.

Conditions:
Spondylocostal dysostosis 1, autosomal recessive (SCDO1). Also called: DLL3-Related Spondylocostal Dysostosis, Autosomal Recessive. Identifiers: Orphanet 2311, MedGen CN032975, MONDO:0020692, OMIM 277300.

Submissions (4):

Labcorp Genetics (formerly Invitae), Labcorp
Classification: Pathogenic. Last evaluated: 2023-05-30. Review status: criteria provided, single submitter. Criteria: Invitae Variant Classification Sherloc (09022015). Collection method: clinical testing. Allele origin: germline.
Comment: For these reasons, this variant has been classified as Pathogenic. ClinVar contains an entry for this variant (Variation ID: 6832). This premature translational stop signal has been observed in individual(s) with spondylocostal dysostosis (PMID: 12791036). This variant is present in population databases (rs760040233, gnomAD 0.005%). This sequence change creates a premature translational stop signal (p.Cys207Alafs*34) in the DLL3 gene. It is expected to result in an absent or disrupted protein product. Loss-of-function variants in DLL3 are known to be pathogenic (PMID: 12746394).

CeGaT Center for Human Genetics Tuebingen
Classification: Pathogenic. Last evaluated: 2019-03-01. Review status: criteria provided, single submitter. Criteria: CeGaT Center For Human Genetics Tuebingen Variant Classification Criteria Version 2. Collection method: clinical testing. Allele origin: germline. Affected: yes. Observed: 3 variant alleles.

Baylor Genetics
Classification: Pathogenic for Spondylocostal dysostosis 1, autosomal recessive. Last evaluated: 2018-09-20. Review status: criteria provided, single submitter. Criteria: ACMG Guidelines, 2015. Collection method: clinical testing. Allele origin: maternal. Affected: yes.
Comment: This variant was determined to be pathogenic according to ACMG Guidelines, 2015 [PMID:25741868].

OMIM
Classification: Pathogenic for SPONDYLOCOSTAL DYSOSTOSIS 1, AUTOSOMAL RECESSIVE. Last evaluated: 2003-07-01. Review status: no assertion criteria provided. Collection method: literature only. Allele origin: germline. Not counted in ClinVar's aggregate classification.

Literature cited by the submitters: PubMed 12791036 (cited by Labcorp Genetics (formerly Invitae), Labcorp and OMIM); PubMed 12746394 (cited by Labcorp Genetics (formerly Invitae), Labcorp).